The following is an entry in ClinVar:

ClinVar aggregate classification (germline): Likely benign (1 of 4 stars; one submission).

Submission:

CeGaT Center for Human Genetics Tuebingen
Classification: Likely benign. Last evaluated: 2022-11-01. Review status: criteria provided, single submitter. Criteria: CeGaT Center For Human Genetics Tuebingen Variant Classification Criteria Version 2. Collection method: clinical testing. Allele origin: germline. Affected: yes. Observed: 1 variant allele.
Comment: SSC5D: BP4, BP7

NM_001144950.2(SSC5D):c.3549G>C (p.Thr1183=)

Gene: SSC5D (scavenger receptor cysteine rich family member with 5 domains; plus strand). Cytogenetic location: 19q13.42.
Variant type: single nucleotide variant.
Coding change: c.3549G>C on transcript NM_001144950.2 (MANE Select); coding-DNA position 3549, G replaced by C.
Protein change: p.Thr1183=; no amino-acid change (threonine 1183 retained).
Molecular consequence: synonymous variant.
Genome position (GRCh38, 1-based): chr19:55,517,825, G>C. VCF-style: chr19-55517825-G-C. GRCh37 (hg19) VCF-style: chr19-56029192-G-C.
Identifiers: ClinVar variation 2650530 (VCV002650530.24), dbSNP rs1298941029, ClinGen allele CA509208452.